The following is an entry in ClinVar:

ClinVar aggregate classification (germline): Uncertain significance. Review status: criteria provided, multiple submitters, no conflicts (2 of 4 stars). 2 submissions from 2 submitters: Uncertain significance (2). Last evaluated 2022-02-21.

Conditions:
Duchenne muscular dystrophy (DMD). Also called: MUSCULAR DYSTROPHY, PSEUDOHYPERTROPHIC PROGRESSIVE, DUCHENNE TYPE; Duchenne Muscular Dystrophy (DMD). Identifiers: Orphanet 98896, MedGen C0013264, MONDO:0010679, OMIM 310200.

Allele frequency attached by ClinVar (database versions not stated): ExAC 0.00001; gnomAD exomes 0.00001.
gnomAD v4.1: 7 of 1,211,183 alleles (0.00058%); highest among the groups gnomAD compares: Non-Finnish European, 0.00056%; no homozygotes.

Submissions (2):

Labcorp Genetics (formerly Invitae), Labcorp
Classification: Uncertain significance for Duchenne muscular dystrophy. Last evaluated: 2022-02-21. Review status: criteria provided, single submitter. Criteria: Invitae Variant Classification Sherloc (09022015). Collection method: clinical testing. Allele origin: germline.
Comment: This sequence change replaces arginine, which is basic and polar, with glutamine, which is neutral and polar, at codon 1917 of the DMD protein (p.Arg1917Gln). This variant is present in population databases (rs760528813, gnomAD 0.003%). This variant has not been reported in the literature in individuals affected with DMD-related conditions. ClinVar contains an entry for this variant (Variation ID: 1308492). Algorithms developed to predict the effect of missense changes on protein structure and function (SIFT, PolyPhen-2, Align-GVGD) all suggest that this variant is likely to be tolerated. In summary, the available evidence is currently insufficient to determine the role of this variant in disease. Therefore, it has been classified as a Variant of Uncertain Significance.

GeneDx
Classification: Uncertain significance. Last evaluated: 2019-04-02. Review status: criteria provided, single submitter. Criteria: GeneDx Variant Classification Process June 2021. Collection method: clinical testing. Allele origin: germline. Affected: yes.
Comment: Not observed at a significant frequency in large population cohorts (Lek et al., 2016); In silico analysis, which includes protein predictors and evolutionary conservation, supports that this variant does not alter protein structure/function; Has not been previously published as pathogenic or benign to our knowledge

NM_004006.3(DMD):c.5750G>A (p.Arg1917Gln)

Gene: DMD (dystrophin; minus strand). Cytogenetic location: Xp21.1.
Variant type: single nucleotide variant.
Coding change: c.5750G>A on transcript NM_004006.3 (MANE Select); coding-DNA position 5750, G replaced by A.
Protein change: p.Arg1917Gln; replaces arginine 1917 with glutamine.
Molecular consequence: missense variant.
Genome position (GRCh38, 1-based): chrX:32,342,272, C>T on the plus strand (G>A on the coding strand, the complement: DMD is on the minus strand). VCF-style: chrX-32342272-C-T. GRCh37 (hg19) VCF-style: chrX-32360389-C-T.
Other names: c.5726G>A, p.Arg1909Gln (NM_000109.4); c.5738G>A, p.Arg1913Gln (NM_004009.3); c.5381G>A, p.Arg1794Gln (NM_004010.3); c.1727G>A, p.Arg576Gln (NM_004011.4); c.1718G>A, p.Arg573Gln (NM_004012.4); short protein forms R1794Q, R1909Q, R1913Q, R1917Q, R573Q, R576Q.
Identifiers: ClinVar variation 1308492 (VCV001308492.3), dbSNP rs760528813, ClinGen allele CA10378594.